The following is an entry in ClinVar:

ClinVar aggregate classification (germline): Uncertain significance. Review status: criteria provided, multiple submitters, no conflicts (2 of 4 stars). 2 submissions from 2 submitters: Uncertain significance (2). Last evaluated 2026-03-06.

Conditions:
Hereditary cancer-predisposing syndrome. Also called: Hereditary neoplastic syndrome; Tumor predisposition; Neoplastic Syndromes, Hereditary; Hereditary Cancer Syndrome. Identifiers: Orphanet 140162, MedGen C0027672, MeSH D009386, MONDO:0015356.

Submissions (2):

Ambry Genetics
Classification: Uncertain significance for Hereditary cancer-predisposing syndrome. Last evaluated: 2026-03-06. Review status: criteria provided, single submitter. Criteria: Ambry Variant Classification Scheme 2023. Collection method: clinical testing. Allele origin: germline.
Comment: The p.G167D variant (also known as c.500G>A), located in coding exon 4 of the FH gene, results from a G to A substitution at nucleotide position 500. The glycine at codon 167 is replaced by aspartic acid, an amino acid with similar properties. This amino acid position is highly conserved in available vertebrate species. In addition, this alteration is predicted to be deleterious by in silico analysis. Based on the available evidence, the clinical significance of this variant remains unclear.

Labcorp Genetics (formerly Invitae), Labcorp
Classification: Uncertain significance. Last evaluated: 2025-04-17. Review status: criteria provided, single submitter. Criteria: Invitae Variant Classification Sherloc (09022015). Collection method: clinical testing. Allele origin: germline.
Comment: This sequence change replaces glycine, which is neutral and non-polar, with aspartic acid, which is acidic and polar, at codon 167 of the FH protein (p.Gly167Asp). This variant is not present in population databases (gnomAD no frequency). This variant has not been reported in the literature in individuals affected with FH-related conditions. ClinVar contains an entry for this variant (Variation ID: 3278758). Invitae Evidence Modeling of protein sequence and biophysical properties (such as structural, functional, and spatial information, amino acid conservation, physicochemical variation, residue mobility, and thermodynamic stability) indicates that this missense variant is expected to disrupt FH protein function with a positive predictive value of 95%. In summary, the available evidence is currently insufficient to determine the role of this variant in disease. Therefore, it has been classified as a Variant of Uncertain Significance.

NM_000143.4(FH):c.500G>A (p.Gly167Asp)

Gene: FH (fumarate hydratase; minus strand). Cytogenetic location: 1q43.
Variant type: single nucleotide variant.
Coding change: c.500G>A on transcript NM_000143.4 (MANE Select); coding-DNA position 500, G replaced by A.
Protein change: p.Gly167Asp; replaces glycine 167 with aspartic acid.
Molecular consequence: missense variant.
Genome position (GRCh38, 1-based): chr1:241,512,022, C>T on the plus strand (G>A on the coding strand, the complement: FH is on the minus strand). VCF-style: chr1-241512022-C-T. GRCh37 (hg19) VCF-style: chr1-241675322-C-T.
Other names: short protein forms G167D.
Identifiers: ClinVar variation 3278758 (VCV003278758.3).
Genomic context (GRCh38, chr1:241,512,022, plus strand): 5'-CTGACCTGGCTTTTATTAACATGATCGTTGGGATGCACAGGTATCTTGCTGCCAAGTTCA[C>T]CTCCTAACATTTCAATTGCTCTATTGCTAATGACTTCATTTACATTCATATTTGTCTGAG-3'
Protein context (NP_000134.2, residues 157-177): ISNRAIEMLG[Gly167Asp]ELGSKIPVHP